The following is an entry in ClinVar:

ClinVar aggregate classification (germline): Pathogenic (1 of 4 stars; one submission).

Conditions:
Hereditary breast ovarian cancer syndrome. Also called: Hereditary breast and ovarian cancer syndrome; Hereditary breast and ovarian cancer syndrome (HBOC); Breast and ovarian cancer; BRCA1- and BRCA2-Associated Hereditary Breast and Ovarian Cancer; Hereditary breast and/or ovarian cancer syndrome; Hereditary breast and ovarian cancer. Identifiers: Orphanet 145, MedGen C0677776, MeSH D061325, MONDO:0003582. Disease mechanism: loss of function.

Submission:

Labcorp Genetics (formerly Invitae), Labcorp
Classification: Pathogenic for Hereditary breast ovarian cancer syndrome. Last evaluated: 2025-07-20. Review status: criteria provided, single submitter. Criteria: Invitae Variant Classification Sherloc (09022015). Collection method: clinical testing. Allele origin: germline.
Comment: This sequence change creates a premature translational stop signal (p.Phe81Tyrfs*7) in the BRCA2 gene. It is expected to result in an absent or disrupted protein product. Loss-of-function variants in BRCA2 are known to be pathogenic (PMID: 20104584). This variant is not present in population databases (gnomAD no frequency). This variant has not been reported in the literature in individuals affected with BRCA2-related conditions. Algorithms developed to predict the effect of sequence changes on RNA splicing suggest that this variant may disrupt the consensus splice site. For these reasons, this variant has been classified as Pathogenic.

Literature cited by the submitters: PubMed 20104584.

NM_000059.4(BRCA2):c.240_241dup (p.Phe81fs)

Gene: BRCA2 (BRCA2 DNA repair associated; plus strand). Cytogenetic location: 13q13.1.
Variant type: Microsatellite.
Coding change: c.240_241dup on transcript NM_000059.4 (MANE Select); coding-DNA positions 240 to 241, 2 bases duplicated (AT; older notation c.240_241dupAT).
Protein change: p.Phe81fs; shifts the reading frame from phenylalanine 81.
Molecular consequence: frameshift variant. On other transcripts: 5 prime UTR variant (1), non-coding transcript variant (1).
Genome position (GRCh38, 1-based): chr13:32,319,249-32,319,250, AT duplicated; duplicating any 2 consecutive bases within chr13:32,319,247-32,319,250 gives the same sequence; the c. name uses the placement nearest the transcript's 3' end. VCF-style (leftmost placement, unchanged base first): chr13-32319246-A-AAT. GRCh37 (hg19) VCF-style: chr13-32893383-A-AAT.
Other names: c.240_241dup, p.Phe81fs (NM_001406719.1, NM_001406720.1, NM_001406721.1 and 1 more transcripts); c.-132AT[3] (NM_001406722.1); short protein forms F81fs.
Identifiers: ClinVar variation 4723511 (VCV004723511.1).